The following is an entry in ClinVar:

ClinVar aggregate classification (germline): Uncertain significance (1 of 4 stars; one submission).

Submission:

Ambry Genetics
Classification: Uncertain significance. Last evaluated: 2024-04-06. Review status: criteria provided, single submitter. Criteria: Ambry Variant Classification Scheme 2023. Collection method: clinical testing. Allele origin: germline.
Comment: The p.S1543R variant (also known as c.4629T>G), located in coding exon 4 of the ALPK2 gene, results from a T to G substitution at nucleotide position 4629. The serine at codon 1543 is replaced by arginine, an amino acid with dissimilar properties. This amino acid position is conserved. In addition, this alteration is predicted to be tolerated by in silico analysis. Based on the available evidence, the clinical significance of this variant remains unclear.

NM_052947.4(ALPK2):c.4629T>G (p.Ser1543Arg)

Genes: ALPK2 (alpha kinase 2; minus strand), LOC126862764 (BRD4-independent group 4 enhancer GRCh37_chr18:56202574-56203773; plus strand). Cytogenetic location: 18q21.31.
Variant type: single nucleotide variant.
Coding change: c.4629T>G on transcript NM_052947.4 (MANE Select); coding-DNA position 4629, T replaced by G.
Protein change: p.Ser1543Arg; replaces serine 1543 with arginine.
Molecular consequence: missense variant.
Genome position (GRCh38, 1-based): chr18:58,535,558, A>C on the plus strand (T>G on the coding strand, the complement: ALPK2 is on the minus strand). VCF-style: chr18-58535558-A-C. GRCh37 (hg19) VCF-style: chr18-56202790-A-C.
Other names: short protein forms S1543R.
Identifiers: ClinVar variation 3289990 (VCV003289990.1).
Genomic context (GRCh38, chr18:58,535,558, plus strand): 5'-TTGGCCTGTGGAGTTGTGCGTGTCAACCCCAAGAGAAGCGTGAGTCATTATTGGAAGACA[A>C]CTAGAAAGAGGTGAAGTGGGGGAAATCAATTCTGCTTTGTCCTTTTTGCTTTGCTCAGCC-3'
Protein context (NP_443179.3, residues 1533-1553): ELISPTSPLS[Ser1543Arg]CLPIMTHASL